The following is an entry in ClinVar:

ClinVar aggregate classification (germline): Uncertain significance (1 of 4 stars; one submission).

Allele frequency attached by ClinVar (database versions not stated): TOPMed below 0.00001; gnomAD 0.00001.
gnomAD v4.1: 4 of 1,613,982 alleles (0.00025%); highest among the groups gnomAD compares: Non-Finnish European, 0.00034%; no homozygotes.

Submission:

Labcorp Genetics (formerly Invitae), Labcorp
Classification: Uncertain significance. Last evaluated: 2022-05-27. Review status: criteria provided, single submitter. Criteria: Invitae Variant Classification Sherloc (09022015). Collection method: clinical testing. Allele origin: germline.
Comment: This sequence change replaces threonine, which is neutral and polar, with isoleucine, which is neutral and non-polar, at codon 589 of the CDHR1 protein (p.Thr589Ile). This variant is not present in population databases (gnomAD no frequency). This variant has not been reported in the literature in individuals affected with CDHR1-related conditions. Advanced modeling of protein sequence and biophysical properties (such as structural, functional, and spatial information, amino acid conservation, physicochemical variation, residue mobility, and thermodynamic stability) performed at Invitae indicates that this missense variant is not expected to disrupt CDHR1 protein function. In summary, the available evidence is currently insufficient to determine the role of this variant in disease. Therefore, it has been classified as a Variant of Uncertain Significance.

NM_033100.4(CDHR1):c.1766C>T (p.Thr589Ile)

Gene: CDHR1 (cadherin related family member 1; plus strand). Cytogenetic location: 10q23.1.
Variant type: single nucleotide variant.
Coding change: c.1766C>T on transcript NM_033100.4 (MANE Select); coding-DNA position 1766, C replaced by T.
Protein change: p.Thr589Ile; replaces threonine 589 with isoleucine.
Molecular consequence: missense variant.
Genome position (GRCh38, 1-based): chr10:84,212,391, C>T. VCF-style: chr10-84212391-C-T. GRCh37 (hg19) VCF-style: chr10-85972147-C-T.
Other names: c.1766C>T, p.Thr589Ile (NM_001171971.3); short protein forms T589I.
Identifiers: ClinVar variation 1907487 (VCV001907487.2), dbSNP rs1842352107, ClinGen allele CA377378194.
Genomic context (GRCh38, chr10:84,212,391, plus strand): 5'-TCAATGACCACCCCCCTCAGTTTGGAAAGAGCGTTCAGAAGAAGACGATGGTGCTAGGGA[C>T]CCCAGTGAAAATTGAGGTAAGTTTTGGAGGCAGCTGAGCTCCCCTAAAAGCCTGGGTCCA-3'
Protein context (NP_149091.1, residues 579-599): SVQKKTMVLG[Thr589Ile]PVKIEAIDED